The following is an entry in ClinVar:

ClinVar aggregate classification (germline): Uncertain significance (1 of 4 stars; one submission).

Conditions:
Tuberous sclerosis 2 (TSC2). Identifiers: Orphanet 805, MedGen C1860707, MONDO:0013199, OMIM 613254.

Submission:

Labcorp Genetics (formerly Invitae), Labcorp
Classification: Uncertain significance for Tuberous sclerosis 2. Last evaluated: 2025-08-18. Review status: criteria provided, single submitter. Criteria: Invitae Variant Classification Sherloc (09022015). Collection method: clinical testing. Allele origin: germline.
Comment: This sequence change replaces serine, which is neutral and polar, with asparagine, which is neutral and polar, at codon 997 of the TSC2 protein (p.Ser997Asn). This variant is not present in population databases (gnomAD no frequency). This variant has not been reported in the literature in individuals affected with TSC2-related conditions. ClinVar contains an entry for this variant (Variation ID: 945828). Invitae Evidence Modeling of protein sequence and biophysical properties (such as structural, functional, and spatial information, amino acid conservation, physicochemical variation, residue mobility, and thermodynamic stability) indicates that this missense variant is not expected to disrupt TSC2 protein function with a negative predictive value of 95%. In summary, the available evidence is currently insufficient to determine the role of this variant in disease. Therefore, it has been classified as a Variant of Uncertain Significance.

NM_000548.5(TSC2):c.2990G>A (p.Ser997Asn)

Gene: TSC2 (TSC complex subunit 2; plus strand). Cytogenetic location: 16p13.3.
Variant type: single nucleotide variant.
Coding change: c.2990G>A on transcript NM_000548.5 (MANE Select); coding-DNA position 2990, G replaced by A.
Protein change: p.Ser997Asn; replaces serine 997 with asparagine.
Molecular consequence: missense variant.
Genome position (GRCh38, 1-based): chr16:2,079,055, G>A. VCF-style: chr16-2079055-G-A. GRCh37 (hg19) VCF-style: chr16-2129056-G-A.
Other names: c.2858G>A, p.Ser953Asn (NM_001077183.3, NM_001370404.1); c.2990G>A, p.Ser997Asn (NM_001114382.3); c.2750G>A, p.Ser917Asn (NM_001318827.2); c.2714G>A, p.Ser905Asn (NM_001318829.2); c.2258G>A, p.Ser753Asn (NM_001318831.2); c.2891G>A, p.Ser964Asn (NM_001318832.2); c.2861G>A, p.Ser954Asn (NM_001363528.2, NM_001370405.1, NM_021055.3); short protein forms S917N, S753N, S905N, S954N, S953N, S964N, S997N.
Identifiers: ClinVar variation 945828 (VCV000945828.9), dbSNP rs1596382214, ClinGen allele CA394283673.